The following is an entry in ClinVar:

NM_022437.3(ABCG8):c.170A>C (p.Asp57Ala)

Gene: ABCG8 (ATP binding cassette subfamily G member 8; plus strand). Cytogenetic location: 2p21.
Variant type: single nucleotide variant.
Coding change: c.170A>C on transcript NM_022437.3 (MANE Select); coding-DNA position 170, A replaced by C.
Protein change: p.Asp57Ala; replaces aspartic acid 57 with alanine.
Molecular consequence: missense variant.
Genome position (GRCh38, 1-based): chr2:43,846,159, A>C. VCF-style: chr2-43846159-A-C. GRCh37 (hg19) VCF-style: chr2-44073298-A-C.
Other names: c.170A>C, p.Asp57Ala (NM_001357321.2); short protein forms D57A.
Identifiers: ClinVar variation 2585887 (VCV002585887.2), dbSNP rs928965529, ClinGen allele CA46434551.

ClinVar aggregate classification (germline): Uncertain significance (1 of 4 stars; one submission).

Conditions:
Cardiovascular phenotype. Identifiers: MedGen CN230736.

Allele frequency attached by ClinVar (database versions not stated): TOPMed below 0.00001; gnomAD exomes 0.00001.
gnomAD v4.1: 9 of 1,613,242 alleles (0.00056%); highest among the groups gnomAD compares: Non-Finnish European, 0.00076%; no homozygotes.

Submission:

Ambry Genetics
Classification: Uncertain significance for Cardiovascular phenotype. Last evaluated: 2023-07-29. Review status: criteria provided, single submitter. Criteria: Ambry Variant Classification Scheme 2023. Collection method: clinical testing. Allele origin: germline.
Comment: The p.D57A variant (also known as c.170A>C), located in coding exon 3 of the ABCG8 gene, results from an A to C substitution at nucleotide position 170. The aspartic acid at codon 57 is replaced by alanine, an amino acid with dissimilar properties. This amino acid position is conserved. In addition, the in silico prediction for this alteration is inconclusive. Since supporting evidence is limited at this time, the clinical significance of this alteration remains unclear.